The following is an entry in ClinVar:

ClinVar aggregate classification (germline): Pathogenic (1 of 4 stars; one submission).

Submission:

Labcorp Genetics (formerly Invitae), Labcorp
Classification: Pathogenic. Last evaluated: 2023-08-14. Review status: criteria provided, single submitter. Criteria: Invitae Variant Classification Sherloc (09022015). Collection method: clinical testing. Allele origin: unknown.
Comment: For these reasons, this variant has been classified as Pathogenic. This variant is a gross deletion of the genomic region encompassing exon(s) 1-18 of the SKIV2L gene, which includes the initiator codon. This deletion extends beyond the assayed region for this gene and therefore may encompass additional genes. It is expected to result in an absent or disrupted protein product. Loss-of-function variants in SKIV2L are known to be pathogenic (PMID: 22444670). This variant has not been reported in the literature in individuals affected with SKIV2L-related conditions.

Literature cited by the submitters: PubMed 22444670.

NC_000006.11:g.(?_31926970)_(31933810_?)del

Gene: SKIC2 (SKI2 subunit of superkiller complex; plus strand). Cytogenetic location: 6p21.33.
Variant type: Deletion.
Identifiers: ClinVar variation 3246211 (VCV003246211.1).